The following is an entry in ClinVar:

NM_000554.6(CRX):c.116_127del (p.Gln39_Glu42del)

Gene: CRX (cone-rod homeobox; plus strand). Cytogenetic location: 19q13.33.
Variant type: Deletion.
Coding change: c.116_127del on transcript NM_000554.6 (MANE Select); coding-DNA positions 116 to 127, 12 bases deleted (AGCGGCGGGAGC).
Protein change: p.Gln39_Glu42del.
Molecular consequence: inframe deletion.
Genome position (GRCh38, 1-based): chr19:47,836,258-47,836,269, AGCGGCGGGAGC deleted; deleting any 12 consecutive bases within chr19:47,836,255-47,836,269 gives the same sequence; the c. name uses the placement nearest the transcript's 3' end. VCF-style (leftmost placement, unchanged base first): chr19-47836254-AAGCAGCGGCGGG-A. GRCh37 (hg19) VCF-style: chr19-48339511-AAGCAGCGGCGGG-A.
Identifiers: ClinVar variation 2014678 (VCV002014678.5), dbSNP rs2514252125, ClinGen allele CA2580097485.

ClinVar aggregate classification (germline): Pathogenic/Likely pathogenic. Review status: criteria provided, multiple submitters, no conflicts (2 of 4 stars). 2 submissions from 2 submitters: Pathogenic (1); Likely pathogenic (1). Last evaluated 2023-09-25.

Conditions:
CRX-related disorders.
Cone-rod dystrophy 2 (CORD2). Also called: CONE-ROD RETINAL DYSTROPHY; Cone-rod retinal dystrophy 2. Identifiers: Orphanet 1872, MedGen C3489532, MONDO:0007362, OMIM 120970.
Leber congenital amaurosis 7 (LCA7). Identifiers: Orphanet 65, MedGen C3151192, MONDO:0013449, OMIM 613829.

Submissions (2):

Labcorp Genetics (formerly Invitae), Labcorp
Classification: Pathogenic for Cone-rod dystrophy 2; Leber congenital amaurosis 7. Last evaluated: 2023-09-25. Review status: criteria provided, single submitter. Criteria: Invitae Variant Classification Sherloc (09022015). Collection method: clinical testing. Allele origin: germline.
Comment: For these reasons, this variant has been classified as Pathogenic. This variant disrupts a region of the CRX protein in which other variant(s) (p.Arg40Trp) have been determined to be pathogenic (PMID: 26161267, 29785639, 31626798, 32533067). This suggests that this is a clinically significant region of the protein, and that variants that disrupt it are likely to be disease-causing. Experimental studies and prediction algorithms are not available or were not evaluated, and the functional significance of this variant is currently unknown. ClinVar contains an entry for this variant (Variation ID: 2014678). This variant has not been reported in the literature in individuals affected with CRX-related conditions. This variant is not present in population databases (gnomAD no frequency). This variant, c.116_127del, results in the deletion of 4 amino acid(s) of the CRX protein (p.Gln39_Glu42del), but otherwise preserves the integrity of the reading frame.

Blueprint Genetics
Classification: Likely pathogenic for CRX-related disorders. Last evaluated: 2022-08-30. Review status: criteria provided, single submitter. Criteria: ACMG Guidelines, 2015. Collection method: clinical testing. Allele origin: germline. Affected: yes. Observed: 1 variant allele.

Literature cited by the submitters: PubMed 26161267 (cited by Labcorp Genetics (formerly Invitae), Labcorp); PubMed 29785639 (cited by Labcorp Genetics (formerly Invitae), Labcorp); PubMed 31626798 (cited by Labcorp Genetics (formerly Invitae), Labcorp); PubMed 32533067 (cited by Labcorp Genetics (formerly Invitae), Labcorp).